The following is an entry in ClinVar:

ClinVar aggregate classification (germline): Likely benign. Review status: criteria provided, multiple submitters, no conflicts (2 of 4 stars). 2 submissions from 2 submitters: Likely benign (2). Last evaluated 2023-01-12.

Allele frequency attached by ClinVar (database versions not stated): gnomAD exomes below 0.00001.
gnomAD v4.1: 6 of 1,611,304 alleles (0.00037%); highest among the groups gnomAD compares: Admixed American, 0.0017%; no homozygotes.

Submissions (2):

Labcorp Genetics (formerly Invitae), Labcorp
Classification: Likely benign. Last evaluated: 2023-01-12. Review status: criteria provided, single submitter. Criteria: Invitae Variant Classification Sherloc (09022015). Collection method: clinical testing. Allele origin: germline.

CeGaT Center for Human Genetics Tuebingen
Classification: Likely benign. Last evaluated: 2022-08-01. Review status: criteria provided, single submitter. Criteria: CeGaT Center For Human Genetics Tuebingen Variant Classification Criteria Version 2. Collection method: clinical testing. Allele origin: germline. Affected: yes. Observed: 1 variant allele.
Comment: GNB1: BP4, BP7

NM_002074.5(GNB1):c.489C>T (p.Asp163=)

Gene: GNB1 (G protein subunit beta 1; minus strand). Cytogenetic location: 1p36.33.
Variant type: single nucleotide variant.
Coding change: c.489C>T on transcript NM_002074.5 (MANE Select); coding-DNA position 489, C replaced by T.
Protein change: p.Asp163=; no amino-acid change (aspartic acid 163 retained).
Molecular consequence: synonymous variant.
Genome position (GRCh38, 1-based): chr1:1,793,253, G>A on the plus strand (C>T on the coding strand, the complement: GNB1 is on the minus strand). VCF-style: chr1-1793253-G-A. GRCh37 (hg19) VCF-style: chr1-1724692-G-A.
Other names: c.189C>T, p.Asp63= (NM_001282538.2); c.489C>T, p.Asp163= (NM_001282539.2).
Identifiers: ClinVar variation 1550059 (VCV001550059.33), dbSNP rs1373042068, ClinGen allele CA415403645.
Genomic context (GRCh38, chr1:1,793,253, plus strand): 5'-GCCAGGGGCTGTGGGTTCTCAAGGCACTGCCTGCCCCGGGTCAGGTACTTACCACGTGGT[G>A]TCTCCAGAGCTGGTGACGATCTGATTGTCATCCAGGAATCGGCAGCAGGACAGGTAACCT-3'
Protein context (NP_002065.1, residues 153-173): DDNQIVTSSG[Asp163=]TTCALWDIET